The following is an entry in ClinVar:

NM_001458.5(FLNC):c.5097C>T (p.Asp1699=)

Gene: FLNC (filamin C; plus strand). Cytogenetic location: 7q32.1.
Variant type: single nucleotide variant.
Coding change: c.5097C>T on transcript NM_001458.5 (MANE Select); coding-DNA position 5097, C replaced by T.
Protein change: p.Asp1699=; no amino-acid change (aspartic acid 1699 retained).
Molecular consequence: synonymous variant.
Genome position (GRCh38, 1-based): chr7:128,849,476, C>T. VCF-style: chr7-128849476-C-T. GRCh37 (hg19) VCF-style: chr7-128489530-C-T.
Other names: c.5097C>T, p.Asp1699= (NM_001127487.2).
Identifiers: ClinVar variation 472086 (VCV000472086.16), dbSNP rs1246194093, ClinGen allele CA457848952.

ClinVar aggregate classification (germline): Likely benign. Review status: criteria provided, multiple submitters, no conflicts (2 of 4 stars). 4 submissions from 4 submitters: Likely benign (4). Last evaluated 2026-09-21.

Conditions:
FLNC-related disorder. Also called: FLNC-related disorders; FLNC-related condition.
Myofibrillar myopathy 5. Also called: Filaminopathy (type); FILAMINOPATHY, AUTOSOMAL DOMINANT. Identifiers: Orphanet 171445, MedGen C1836050, MONDO:0012289, OMIM 609524.
Distal myopathy with posterior leg and anterior hand involvement. Also called: WILLIAMS DISTAL MYOPATHY. Identifiers: Orphanet 63273, MedGen C3279722, MONDO:0013550, OMIM 614065.
Hypertrophic cardiomyopathy 26. Also called: Cardiomyopathy, familial hypertrophic, 26. Identifiers: Orphanet 75249, MedGen C4310749, MONDO:0014883, OMIM 617047.
Cardiovascular phenotype. Identifiers: MedGen CN230736.

Allele frequency attached by ClinVar (database versions not stated): gnomAD 0.00001; TOPMed 0.00001; gnomAD exomes 0.00001.
gnomAD v4.1: 15 of 1,614,092 alleles (0.00093%); highest among the groups gnomAD compares: Admixed American, 0.0083%; no homozygotes.

Submissions (4):

Molecular Diagnostic Laboratory for Inherited Cardiovascular Disease, Montreal Heart Institute
Classification: Likely benign. Last evaluated: 2026-09-21. Review status: criteria provided, single submitter. Criteria: ACMG Guidelines, 2015. Collection method: clinical testing. Allele origin: germline. Affected: no.
Comment: BP7

PreventionGenetics, part of Exact Sciences
Classification: Likely benign for FLNC-related condition. Last evaluated: 2026-09-18. Review status: criteria provided, single submitter. Criteria: ACMG Guidelines, 2015. Collection method: clinical testing. Allele origin: germline.
Comment: This variant is classified as likely benign based on ACMG/AMP sequence variant interpretation guidelines (Richards et al. 2015 PMID: 25741868, with internal and published modifications).

Labcorp Genetics (formerly Invitae), Labcorp
Classification: Likely benign for Distal myopathy with posterior leg and anterior hand involvement; Myofibrillar myopathy 5; Hypertrophic cardiomyopathy 26. Last evaluated: 2026-02-01. Review status: criteria provided, single submitter. Criteria: Invitae Variant Classification Sherloc (09022015). Collection method: clinical testing. Allele origin: germline.

Ambry Genetics
Classification: Likely benign for Cardiovascular phenotype. Last evaluated: 2021-09-26. Review status: criteria provided, single submitter. Criteria: Ambry Variant Classification Scheme 2023. Collection method: clinical testing. Allele origin: germline.